The following is an entry in ClinVar:

ClinVar aggregate classification (germline): Likely benign (0 of 4 stars; one submission).

Conditions:
CFAP57-related disorder. Also called: CFAP57-related condition.

Allele frequency attached by ClinVar (database versions not stated): 1000 Genomes Project 0.00160; TOPMed 0.00166; ESP Exome Variant Server 0.00200; 1000 Genomes Project 30x 0.00203; gnomAD 0.00248; gnomAD exomes 0.00281; ExAC 0.00341.
gnomAD v4.1: 4,444 of 1,612,046 alleles (0.28%); highest among the groups gnomAD compares: Non-Finnish European, 0.3%; 16 homozygotes.

Submissions (4):

PreventionGenetics, part of Exact Sciences
Classification: Likely benign for CFAP57-related condition. Last evaluated: 2019-07-22. Review status: no assertion criteria provided. Collection method: clinical testing. Allele origin: germline.
Comment: This variant is classified as likely benign based on ACMG/AMP sequence variant interpretation guidelines (Richards et al. 2015 PMID: 25741868, with internal and published modifications).

Dr. Peter K. Rogan Lab, Western University
No classification provided (evidence only). Condition: Malignant tumor of urinary bladder. Review status: no classification provided. Collection method: in vitro. Allele origin: not applicable. Functional consequence: retained intron. Not counted in ClinVar's aggregate classification.

Dr. Peter K. Rogan Lab, Western University
No classification provided (evidence only). Condition: Uterine corpus endometrial carcinoma. Review status: no classification provided. Collection method: in vitro. Allele origin: not applicable. Functional consequence: retained intron. Not counted in ClinVar's aggregate classification.

Dr. Peter K. Rogan Lab, Western University
No classification provided (evidence only). Condition: Hepatocellular carcinoma. Review status: no classification provided. Collection method: in vitro. Allele origin: not applicable. Functional consequence: retained intron. Not counted in ClinVar's aggregate classification.

NM_001378189.1(CFAP57):c.1929+70A>G

Genes: CFAP57 (cilia and flagella associated protein 57; plus strand), EBNA1BP2 (EBNA1 binding protein 2; minus strand), LOC105378685 (uncharacterized LOC105378685; minus strand). Cytogenetic location: 1p34.2.
Variant type: single nucleotide variant.
Coding change: c.1929+70A>G on transcript NM_001378189.1 (MANE Select); 70 bases into the intron after coding-DNA position 1929, A replaced by G.
Molecular consequence: intron variant. On other transcripts: missense variant (2).
Genome position (GRCh38, 1-based): chr1:43,209,986, A>G. VCF-style: chr1-43209986-A-G. GRCh37 (hg19) VCF-style: chr1-43675657-A-G.
Other names: NC_000001.10:g.43675657A>G; c.1999A>G, p.Thr667Ala (NM_001167965.1, NM_152498.3); c.1929+70A>G (NM_001195831.3); short protein forms T667A.
Identifiers: ClinVar variation 3039215 (VCV003039215.3), dbSNP rs113433068, ClinGen allele CA804822.
Genomic context (GRCh38, chr1:43,209,986, plus strand): 5'-GCCCTCTCCCCAGGAACCCAGTCCCACACCTGCCTGCTACGTGCCTTGTTCATCCCTTCA[A>G]CCTCCCAATGTCTTTTCTCTCTCCTTCTTCTCTCTTATTTATTCATCCATCATTCATTGA-3'